The following is an entry in ClinVar:

NM_004656.4(BAP1):c.1443C>T (p.His481=)

Gene: BAP1 (BRCA1 associated deubiquitinase 1; minus strand). Cytogenetic location: 3p21.1.
Variant type: single nucleotide variant.
Coding change: c.1443C>T on transcript NM_004656.4 (MANE Select); coding-DNA position 1443, C replaced by T.
Protein change: p.His481=; no amino-acid change (histidine 481 retained).
Molecular consequence: synonymous variant.
Genome position (GRCh38, 1-based): chr3:52,403,702, G>A on the plus strand (C>T on the coding strand, the complement: BAP1 is on the minus strand). VCF-style: chr3-52403702-G-A. GRCh37 (hg19) VCF-style: chr3-52437718-G-A.
Other names: c.1443C>T (NM_004656.2).
Identifiers: ClinVar variation 1107990 (VCV001107990.10), dbSNP rs1343781223, ClinGen allele CA433886295.

ClinVar aggregate classification (germline): Benign/Likely benign. Review status: criteria provided, multiple submitters, no conflicts (2 of 4 stars). 3 submissions from 3 submitters: Benign (1); Likely benign (2). Last evaluated 2025-05-01.

Conditions:
Hereditary cancer-predisposing syndrome. Also called: Tumor predisposition; Neoplastic Syndromes, Hereditary; Hereditary Cancer Syndrome; Hereditary neoplastic syndrome. Identifiers: Orphanet 140162, MedGen C0027672, MeSH D009386, MONDO:0015356.
BAP1-related tumor predisposition syndrome (TPDS1). Also called: TUMOR PREDISPOSITION SYNDROME 1; Tumor susceptibility linked to germline BAP1 mutations; COMMON Syndrome; BAP1 tumor predisposition syndrome. Identifiers: Orphanet 289539, MedGen C3280492, MONDO:0013692, OMIM 614327.

Allele frequency attached by ClinVar (database versions not stated): gnomAD exomes below 0.00001.
gnomAD v4.1: 1 of 1,614,048 alleles (0.000062%); highest among the groups gnomAD compares: Non-Finnish European, 0.000085%; no homozygotes.

Submissions (3):

Labcorp Genetics (formerly Invitae), Labcorp
Classification: Likely benign for BAP1-related tumor predisposition syndrome. Last evaluated: 2025-05-01. Review status: criteria provided, single submitter. Criteria: Invitae Variant Classification Sherloc (09022015). Collection method: clinical testing. Allele origin: germline.

Myriad Genetics, Inc.
Classification: Benign for BAP1-related tumor predisposition syndrome. Last evaluated: 2024-07-16. Review status: criteria provided, single submitter. Criteria: Myriad Autosomal Dominant, Autosomal Recessive and X-Linked Classification Criteria (2023). Collection method: clinical testing. Allele origin: unknown.
Comment: This variant is considered benign. This variant is a silent/synonymous amino acid change and it is not expected to impact splicing.

Ambry Genetics
Classification: Likely benign for Hereditary cancer-predisposing syndrome. Last evaluated: 2023-04-14. Review status: criteria provided, single submitter. Criteria: Ambry Variant Classification Scheme 2023. Collection method: clinical testing. Allele origin: germline.